The following is an entry in ClinVar:

ClinVar aggregate classification (germline): Uncertain significance (1 of 4 stars; one submission).

Conditions:
Tuberous sclerosis 2 (TSC2). Identifiers: Orphanet 805, MedGen C1860707, MONDO:0013199, OMIM 613254.

Submission:

Labcorp Genetics (formerly Invitae), Labcorp
Classification: Uncertain significance for Tuberous sclerosis 2. Last evaluated: 2019-09-06. Review status: criteria provided, single submitter. Criteria: Invitae Variant Classification Sherloc (09022015). Collection method: clinical testing. Allele origin: germline.
Comment: In summary, the available evidence is currently insufficient to determine the role of this variant in disease. Therefore, it has been classified as a Variant of Uncertain Significance. Nucleotide substitutions within the consensus splice site are a relatively common cause of aberrant splicing (PMID: 17576681, 9536098). Algorithms developed to predict the effect of missense changes on protein structure and function are either unavailable or do not agree on the potential impact of this missense change (SIFT: "Deleterious"; PolyPhen-2: "Possibly Damaging"; Align-GVGD: "Class C0"). This variant has not been reported in the literature in individuals with TSC2-related conditions. This variant is not present in population databases (ExAC no frequency). This sequence change replaces lysine with asparagine at codon 1663 of the TSC2 protein (p.Lys1663Asn). The lysine residue is moderately conserved and there is a moderate physicochemical difference between lysine and asparagine. This variant also falls at the last nucleotide of exon 38 of the TSC2 coding sequence, which is part of the consensus splice site for this exon.

Literature cited by the submitters: PubMed 17576681; PubMed 9536098.

NM_000548.5(TSC2):c.4989G>C (p.Lys1663Asn)

Gene: TSC2 (TSC complex subunit 2; plus strand). Cytogenetic location: 16p13.3.
Variant type: single nucleotide variant.
Coding change: c.4989G>C on transcript NM_000548.5 (MANE Select); coding-DNA position 4989, G replaced by C.
Protein change: p.Lys1663Asn; replaces lysine 1663 with asparagine.
Molecular consequence: missense variant.
Genome position (GRCh38, 1-based): chr16:2,086,871, G>C. VCF-style: chr16-2086871-G-C. GRCh37 (hg19) VCF-style: chr16-2136872-G-C.
Other names: c.4788G>C, p.Lys1596Asn (NM_001077183.3); c.4920G>C, p.Lys1640Asn (NM_001114382.3); c.4680G>C, p.Lys1560Asn (NM_001318827.2); c.4644G>C, p.Lys1548Asn (NM_001318829.2); c.4257G>C, p.Lys1419Asn (NM_001318831.2); c.4821G>C, p.Lys1607Asn (NM_001318832.2); c.4791G>C, p.Lys1597Asn (NM_001363528.2); c.4857G>C, p.Lys1619Asn (NM_001370404.1); and 1 more; short protein forms K1663N, K1640N, K1419N, K1548N, K1596N, K1619N, K1560N, K1597N.
Identifiers: ClinVar variation 954299 (VCV000954299.9), dbSNP rs1567124948, ClinGen allele CA394309236.